The following is an entry in ClinVar:

NM_001231.5(CASQ1):c.447C>T (p.Ile149=)

Gene: CASQ1 (calsequestrin 1; plus strand). Cytogenetic location: 1q23.2.
Variant type: single nucleotide variant.
Coding change: c.447C>T on transcript NM_001231.5 (MANE Select); coding-DNA position 447, C replaced by T.
Protein change: p.Ile149=; no amino-acid change (isoleucine 149 retained).
Molecular consequence: synonymous variant.
Genome position (GRCh38, 1-based): chr1:160,193,829, C>T. VCF-style: chr1-160193829-C-T. GRCh37 (hg19) VCF-style: chr1-160163619-C-T.
Identifiers: ClinVar variation 715791 (VCV000715791.38), dbSNP rs138196284, ClinGen allele CA1196185.

ClinVar aggregate classification (germline): Benign/Likely benign. Review status: criteria provided, multiple submitters, no conflicts (2 of 4 stars). 6 submissions from 6 submitters: Benign (2); Likely benign (3). 1 of the submissions does not count toward it. Last evaluated 2026-08-01.

Conditions:
CASQ1-related disorder. Also called: CASQ1-related condition.
Inborn genetic diseases. Identifiers: MedGen C0950123, MeSH D030342.

Allele frequency attached by ClinVar (database versions not stated): 1000 Genomes Project 30x 0.00078; 1000 Genomes Project 0.00080; ExAC 0.00119; gnomAD exomes 0.00141; gnomAD 0.00164 and 0.00181; ESP Exome Variant Server 0.00177; TOPMed 0.00197.
gnomAD v4.1: 3,480 of 1,612,118 alleles (0.22%); highest among the groups gnomAD compares: Non-Finnish European, 0.26%; 5 homozygotes.

Submissions (6):

CeGaT Center for Human Genetics Tuebingen
Classification: Likely benign. Last evaluated: 2026-08-01. Review status: criteria provided, single submitter. Criteria: CeGaT Center For Human Genetics Tuebingen Variant Classification Criteria Version 2. Collection method: clinical testing. Allele origin: germline. Affected: yes. Observed: 3 variant alleles.
Comment: CASQ1: BP4, BP7

Labcorp Genetics (formerly Invitae), Labcorp
Classification: Benign. Last evaluated: 2026-01-19. Review status: criteria provided, single submitter. Criteria: Invitae Variant Classification Sherloc (09022015). Collection method: clinical testing. Allele origin: germline.

Blueprint Genetics
Classification: Likely benign. Last evaluated: 2024-10-31. Review status: criteria provided, single submitter. Criteria: ACMG Guidelines, 2015. Collection method: clinical testing. Allele origin: germline.

Ambry Genetics
Classification: Likely benign for Inborn genetic diseases. Last evaluated: 2022-08-10. Review status: criteria provided, single submitter. Criteria: Ambry Variant Classification Scheme 2023. Collection method: clinical testing. Allele origin: germline.

Breakthrough Genomics
Classification: Benign. Review status: criteria provided, single submitter. Criteria: ACMG Guidelines, 2015. Collection method: not provided. Allele origin: germline. Inheritance: Autosomal dominant inheritance. Affected: yes.

PreventionGenetics, part of Exact Sciences
Classification: Benign for CASQ1-related condition. Last evaluated: 2020-04-27. Review status: no assertion criteria provided. Collection method: clinical testing. Allele origin: germline. Not counted in ClinVar's aggregate classification.
Comment: This variant is classified as benign based on ACMG/AMP sequence variant interpretation guidelines (Richards et al. 2015 PMID: 25741868, with internal and published modifications).